The following is an entry in ClinVar:

ClinVar aggregate classification (germline): Uncertain significance (1 of 4 stars; one submission).

gnomAD v4.1: 4 of 1,613,948 alleles (0.00025%); highest among the groups gnomAD compares: African/African-American, 0.0027%; no homozygotes.

Submission:

Ambry Genetics
Classification: Uncertain significance. Last evaluated: 2025-03-31. Review status: criteria provided, single submitter. Criteria: Ambry Variant Classification Scheme 2023. Collection method: clinical testing. Allele origin: germline.
Comment: The p.D5G variant (also known as c.14A>G), located in coding exon 1 of the GEN1 gene, results from an A to G substitution at nucleotide position 14. The aspartic acid at codon 5 is replaced by glycine, an amino acid with similar properties. This amino acid position is conserved. In addition, this alteration is predicted to be tolerated by in silico analysis. Based on the available evidence, the clinical significance of this variant remains unclear.

NM_001130009.3(GEN1):c.14A>G (p.Asp5Gly)

Gene: GEN1 (GEN1 Holliday junction 5' flap endonuclease; plus strand). Cytogenetic location: 2p24.2.
Variant type: single nucleotide variant.
Coding change: c.14A>G on transcript NM_001130009.3 (MANE Select); coding-DNA position 14, A replaced by G.
Protein change: p.Asp5Gly; replaces aspartic acid 5 with glycine.
Molecular consequence: missense variant.
Genome position (GRCh38, 1-based): chr2:17,759,957, A>G. VCF-style: chr2-17759957-A-G. GRCh37 (hg19) VCF-style: chr2-17941224-A-G.
Other names: c.14A>G, p.Asp5Gly (NM_182625.5); short protein forms D5G.
Identifiers: ClinVar variation 4029189 (VCV004029189.1).